The following is an entry in ClinVar:

NM_005219.5(DIAPH1):c.2437G>A (p.Ala813Thr)

Gene: DIAPH1 (diaphanous related formin 1; minus strand). Cytogenetic location: 5q31.3.
Variant type: single nucleotide variant.
Coding change: c.2437G>A on transcript NM_005219.5 (MANE Select); coding-DNA position 2437, G replaced by A.
Protein change: p.Ala813Thr; replaces alanine 813 with threonine.
Molecular consequence: missense variant.
Genome position (GRCh38, 1-based): chr5:141,571,962, C>T on the plus strand (G>A on the coding strand, the complement: DIAPH1 is on the minus strand). VCF-style: chr5-141571962-C-T. GRCh37 (hg19) VCF-style: chr5-140951529-C-T.
Other names: p.Ala813Thr; c.2410G>A, p.Ala804Thr (NM_001079812.3); c.2437G>A, p.Ala813Thr (NM_001314007.2); short protein forms A813T, A804T.
Identifiers: ClinVar variation 715117 (VCV000715117.17), dbSNP rs147203145, ClinGen allele CA3479077.
Genomic context (GRCh38, chr5:141,571,962, plus strand): 5'-TGCATCAAAGAGGAAGGTACTCACTCTTGGTCTGGGCAGAGAAGGTAAGGGTAAGTTTGG[C>T]GAAAAGTTCATTGTTCTCAAAGCGGTCCTCCTTCACCTTTGTCCAGAAGCAGTCCTGGGA-3'
Protein context (NP_005210.3, residues 803-823): EDRFENNELF[Ala813Thr]KLTLTFSAQT

ClinVar aggregate classification (germline): Benign/Likely benign. Review status: criteria provided, multiple submitters, no conflicts (2 of 4 stars). 4 submissions from 4 submitters: Benign (1); Likely benign (2). 1 of the submissions does not count toward it. Last evaluated 2026-01-19.

Conditions:
DIAPH1-related disorder. Also called: DIAPH1-related condition.
Autosomal dominant nonsyndromic hearing loss 1. Also called: KONIGSMARK SYNDROME; DEAFNESS, AUTOSOMAL DOMINANT 1, WITH OR WITHOUT THROMBOCYTOPENIA. Identifiers: Orphanet 90635, MedGen C1852282, MONDO:0007424, OMIM 124900.
Progressive microcephaly-seizures-cortical blindness-developmental delay syndrome. Also called: Seizures, cortical blindness, and microcephaly syndrome. Identifiers: Orphanet 477814, MedGen C5567650, MONDO:0014714, OMIM 616632.

Allele frequency attached by ClinVar (database versions not stated): gnomAD exomes 0.00005 and 0.00015; ExAC 0.00018; ESP Exome Variant Server 0.00041; 1000 Genomes Project 0.00080; gnomAD 0.00082 and 0.00088; TOPMed 0.00084; 1000 Genomes Project 30x 0.00125.
gnomAD v4.1: 197 of 1,614,110 alleles (0.012%); highest among the groups gnomAD compares: African/African-American, 0.24%; 2 homozygotes.

Submissions (4):

Labcorp Genetics (formerly Invitae), Labcorp
Classification: Likely benign for Progressive microcephaly-seizures-cortical blindness-developmental delay syndrome; Autosomal dominant nonsyndromic hearing loss 1. Last evaluated: 2026-01-19. Review status: criteria provided, single submitter. Criteria: Invitae Variant Classification Sherloc (09022015). Collection method: clinical testing. Allele origin: germline.

Mayo Clinic Laboratories, Mayo Clinic
Classification: Benign. Last evaluated: 2024-10-25. Review status: criteria provided, single submitter. Criteria: ACMG Guidelines, 2015. Collection method: clinical testing. Allele origin: germline. Observed: 2 variant alleles.
Comment: BA1, BS2

GeneDx
Classification: Likely benign. Last evaluated: 2018-08-30. Review status: criteria provided, single submitter. Criteria: GeneDx Variant Classification Process June 2021. Collection method: clinical testing. Allele origin: germline. Affected: yes.

PreventionGenetics, part of Exact Sciences
Classification: Likely benign for DIAPH1-related condition. Last evaluated: 2022-10-17. Review status: no assertion criteria provided. Collection method: clinical testing. Allele origin: germline. Not counted in ClinVar's aggregate classification.
Comment: This variant is classified as likely benign based on ACMG/AMP sequence variant interpretation guidelines (Richards et al. 2015 PMID: 25741868, with internal and published modifications).